The following is an entry in ClinVar:

NM_000077.5(CDKN2A):c.458-92T>C

Gene: CDKN2A (cyclin dependent kinase inhibitor 2A; minus strand). Cytogenetic location: 9p21.3.
Variant type: single nucleotide variant.
Coding change: c.458-92T>C on transcript NM_000077.5 (MANE Select); 92 bases into the intron before coding-DNA position 458, T replaced by C.
Molecular consequence: intron variant.
Genome position (GRCh38, 1-based): chr9:21,968,334, A>G on the plus strand (T>C on the coding strand, the complement: CDKN2A is on the minus strand). VCF-style: chr9-21968334-A-G. GRCh37 (hg19) VCF-style: chr9-21968333-A-G.
Other names: c.305-92T>C (NM_001363763.2); c.*102-92T>C (NM_058195.4); c.*151-92T>C (NM_001195132.2); c.*381-92T>C (NM_058197.5).
Identifiers: ClinVar variation 4294147 (VCV004294147.1).

ClinVar aggregate classification (germline): Benign (1 of 4 stars; one submission).

Conditions:
Melanoma-pancreatic cancer syndrome. Identifiers: Orphanet 404560, MedGen C1838547, MONDO:0011713, OMIM 606719. Disease mechanism: loss of function.

Submission:

Myriad Genetics, Inc.
Classification: Benign for Melanoma-pancreatic cancer syndrome. Last evaluated: 2025-08-15. Review status: criteria provided, single submitter. Criteria: Myriad Autosomal Dominant, Autosomal Recessive and X-Linked Classification Criteria (2023). Collection method: clinical testing. Allele origin: unknown.
Comment: This variant is considered benign. This variant is intronic and is not expected to impact mRNA splicing.